The following is an entry in ClinVar:

ClinVar aggregate classification (germline): Uncertain significance (1 of 4 stars; one submission).

Submission:

GeneDx
Classification: Uncertain significance. Last evaluated: 2025-05-02. Review status: criteria provided, single submitter. Criteria: GeneDx Variant Classification Process June 2021. Collection method: clinical testing. Allele origin: germline. Affected: yes.
Comment: In-frame deletion of 6 amino acid(s) in a non-repeat region; In silico analysis supports a deleterious effect on protein structure/function; Has not been previously published as pathogenic or benign to our knowledge

NM_006885.4(ZFHX3):c.1388_1405del (p.Ala463_Glu468del)

Gene: ZFHX3 (zinc finger homeobox 3; minus strand). Cytogenetic location: 16q22.3.
Variant type: Deletion.
Coding change: c.1388_1405del on transcript NM_006885.4 (MANE Select); coding-DNA positions 1388 to 1405, 18 bases deleted (CGGAGGAGGAAGAGGAGG).
Protein change: p.Ala463_Glu468del.
Molecular consequence: intron variant (on NM_001164766.2).
Genome position (GRCh38, 1-based): chr16:72,958,741-72,958,758, CCTCCTCTTCCTCCTCCG deleted on the plus strand (CGGAGGAGGAAGAGGAGG on the coding strand, the reverse complement: ZFHX3 is on the minus strand); deleting any 18 consecutive bases within chr16:72,958,741-72,958,768 gives the same sequence; the c. name uses the placement nearest the transcript's 3' end. VCF-style (leftmost placement, unchanged base first): chr16-72958740-TCCTCCTCTTCCTCCTCCG-T. GRCh37 (hg19) VCF-style: chr16-72992639-TCCTCCTCTTCCTCCTCCG-T.
Other names: c.1388_1405del, p.Ala463_Glu468del (NM_001386735.1); c.-23-7793_-23-7776del (NM_001164766.2).
Identifiers: ClinVar variation 4528037 (VCV004528037.1).